The following is an entry in ClinVar:

ClinVar aggregate classification (germline): Uncertain significance. Review status: criteria provided, multiple submitters, no conflicts (2 of 4 stars). 2 submissions from 2 submitters: Uncertain significance (2). Last evaluated 2026-02-01.

Conditions:
Autoinflammatory syndrome. Identifiers: Orphanet 93665, MedGen C3890737, MONDO:0019751.
Familial cold autoinflammatory syndrome 2 (FCAS2). Identifiers: Orphanet 247868, MedGen C2673198, MONDO:0012724, OMIM 611762.

Allele frequency attached by ClinVar (database versions not stated): gnomAD exomes below 0.00001; gnomAD 0.00001; TOPMed 0.00001.
gnomAD v4.1: 8 of 1,614,072 alleles (0.0005%); highest among the groups gnomAD compares: Admixed American, 0.0017%; no homozygotes.

Submissions (2):

Labcorp Genetics (formerly Invitae), Labcorp
Classification: Uncertain significance for Familial cold autoinflammatory syndrome 2. Last evaluated: 2026-02-01. Review status: criteria provided, single submitter. Criteria: Invitae Variant Classification Sherloc (09022015). Collection method: clinical testing. Allele origin: germline.
Comment: This sequence change replaces serine, which is neutral and polar, with glycine, which is neutral and non-polar, at codon 702 of the NLRP12 protein (p.Ser702Gly). This variant is not present in population databases (gnomAD no frequency). This variant has not been reported in the literature in individuals affected with NLRP12-related conditions. ClinVar contains an entry for this variant (Variation ID: 1694405). An algorithm developed to predict the effect of missense changes on protein structure and function outputs the following: PolyPhen-2: "Benign". The glycine amino acid residue is found in multiple mammalian species, which suggests that this missense change does not adversely affect protein function. In summary, the available evidence is currently insufficient to determine the role of this variant in disease. Therefore, it has been classified as a Variant of Uncertain Significance.

Genome Diagnostics Laboratory, The Hospital for Sick Children
Classification: Uncertain significance for Autoinflammatory syndrome. Last evaluated: 2021-02-19. Review status: criteria provided, single submitter. Criteria: ACMG Guidelines, 2015. Collection method: clinical testing. Allele origin: germline. Affected: yes.

NM_144687.4(NLRP12):c.2104A>G (p.Ser702Gly)

Gene: NLRP12 (NLR family pyrin domain containing 12; minus strand). Cytogenetic location: 19q13.42.
Variant type: single nucleotide variant.
Coding change: c.2104A>G on transcript NM_144687.4 (MANE Select); coding-DNA position 2104, A replaced by G.
Protein change: p.Ser702Gly; replaces serine 702 with glycine.
Molecular consequence: missense variant.
Genome position (GRCh38, 1-based): chr19:53,807,634, T>C on the plus strand (A>G on the coding strand, the complement: NLRP12 is on the minus strand). VCF-style: chr19-53807634-T-C. GRCh37 (hg19) VCF-style: chr19-54310888-T-C.
Other names: c.2107A>G, p.Ser703Gly (NM_001277126.2); c.2104A>G, p.Ser702Gly (NM_001277129.1); short protein forms S702G, S703G.
Identifiers: ClinVar variation 1694405 (VCV001694405.5), dbSNP rs2091983142, ClinGen allele CA407411403.